The following is an entry in ClinVar:

NM_001042492.3(NF1):c.258A>G (p.Ile86Met)

Gene: NF1 (neurofibromin 1; plus strand). Cytogenetic location: 17q11.2.
Variant type: single nucleotide variant.
Coding change: c.258A>G on transcript NM_001042492.3 (MANE Select); coding-DNA position 258, A replaced by G.
Protein change: p.Ile86Met; replaces isoleucine 86 with methionine.
Molecular consequence: missense variant.
Genome position (GRCh38, 1-based): chr17:31,159,063, A>G. VCF-style: chr17-31159063-A-G. GRCh37 (hg19) VCF-style: chr17-29486081-A-G.
Other names: c.258A>G, p.Ile86Met (NM_000267.4, NM_001128147.3); short protein forms I86M.
Identifiers: ClinVar variation 1367462 (VCV001367462.7), dbSNP rs2143646253, ClinGen allele CA398989713.
Genomic context (GRCh38, chr17:31,159,063, plus strand): 5'-CTGTTAGAGAATATTTGGAGAAGCTGCTGAAAAAAATTTATATCTCTCTCAGTTGATTAT[A>G]TTGGATACACTGGAAAAATGTCTTGCTGGGGTAAGTAAATTGATCTTAAGTAGGCAGGCT-3'
Protein context (NP_001035957.1, residues 76-96): EKNLYLSQLI[Ile86Met]LDTLEKCLAG

ClinVar aggregate classification (germline): Uncertain significance. Review status: criteria provided, multiple submitters, no conflicts (2 of 4 stars). 2 submissions from 2 submitters: Uncertain significance (2). Last evaluated 2026-07-27.

Conditions:
Hereditary cancer-predisposing syndrome. Also called: Hereditary Cancer Syndrome; Neoplastic Syndromes, Hereditary; Hereditary neoplastic syndrome; Tumor predisposition. Identifiers: Orphanet 140162, MedGen C0027672, MeSH D009386, MONDO:0015356.
Cardiovascular phenotype. Identifiers: MedGen CN230736.
Neurofibromatosis, type 1 (NF1). Also called: Peripheral type neurofibromatosis; VON RECKLINGHAUSEN DISEASE; NEUROFIBROMATOSIS, TYPE I, SOMATIC; Neurofibromatosis, type I. Identifiers: Orphanet 636, MedGen C0027831, MONDO:0018975, OMIM 162200. Disease mechanism: loss of function.

Submissions (2):

Ambry Genetics
Classification: Uncertain significance for Cardiovascular phenotype; Hereditary cancer-predisposing syndrome. Last evaluated: 2026-07-27. Review status: criteria provided, single submitter. Criteria: Ambry Variant Classification Scheme 2023. Collection method: clinical testing. Allele origin: germline.
Comment: The p.I86M variant (also known as c.258A>G), located in coding exon 3 of the NF1 gene, results from an A to G substitution at nucleotide position 258. The isoleucine at codon 86 is replaced by methionine, an amino acid with highly similar properties. This amino acid position is highly conserved in available vertebrate species. In addition, the in silico prediction for this alteration is inconclusive. Based on the available evidence, the clinical significance of this variant remains unclear.

Labcorp Genetics (formerly Invitae), Labcorp
Classification: Uncertain significance for Neurofibromatosis, type 1. Last evaluated: 2025-04-13. Review status: criteria provided, single submitter. Criteria: Invitae Variant Classification Sherloc (09022015). Collection method: clinical testing. Allele origin: germline.
Comment: This sequence change replaces isoleucine, which is neutral and non-polar, with methionine, which is neutral and non-polar, at codon 86 of the NF1 protein (p.Ile86Met). This variant is not present in population databases (gnomAD no frequency). This variant has not been reported in the literature in individuals affected with NF1-related conditions. ClinVar contains an entry for this variant (Variation ID: 1367462). Invitae Evidence Modeling of protein sequence and biophysical properties (such as structural, functional, and spatial information, amino acid conservation, physicochemical variation, residue mobility, and thermodynamic stability) indicates that this missense variant is expected to disrupt NF1 protein function with a positive predictive value of 95%. In summary, the available evidence is currently insufficient to determine the role of this variant in disease. Therefore, it has been classified as a Variant of Uncertain Significance.